The following is an entry in ClinVar:

NM_030662.4(MAP2K2):c.554G>A (p.Arg185Gln)

Gene: MAP2K2 (mitogen-activated protein kinase kinase 2; minus strand). Cytogenetic location: 19p13.3.
Variant type: single nucleotide variant.
Coding change: c.554G>A on transcript NM_030662.4 (MANE Select); coding-DNA position 554, G replaced by A.
Protein change: p.Arg185Gln; replaces arginine 185 with glutamine.
Molecular consequence: missense variant.
Genome position (GRCh38, 1-based): chr19:4,101,255, C>T on the plus strand (G>A on the coding strand, the complement: MAP2K2 is on the minus strand). VCF-style: chr19-4101255-C-T. GRCh37 (hg19) VCF-style: chr19-4101253-C-T.
Other names: c.554G>A (NM_030662.3); short protein forms R185Q.
Identifiers: ClinVar variation 1389303 (VCV001389303.9), dbSNP rs772139417, ClinGen allele CA9090903.
Genomic context (GRCh38, chr19:4,101,255, plus strand): 5'-CCCGGGGCTCTGGGGAGGGCGGGCTGGGCCTTACCTCGGTGCATGATCTGGTGCTTCTCT[C>T]GGAGGTACGCCAAGCCCCGGAGAACCTGCAGGGGAGCGCGGAGGGAGTCACGGGACAAGG-3'
Protein context (NP_109587.1, residues 175-195): IAVLRGLAYL[Arg185Gln]EKHQIMHRDV

ClinVar aggregate classification (germline): Uncertain significance. Review status: criteria provided, multiple submitters, no conflicts (2 of 4 stars). 2 submissions from 2 submitters: Uncertain significance (2). Last evaluated 2026-01-01.

Conditions:
RASopathy. Also called: Noonan spectrum disorder; rasopathies. Identifiers: Orphanet 536391, MedGen C5555857, MONDO:0021060.

Allele frequency attached by ClinVar (database versions not stated): gnomAD exomes 0.00001; ExAC 0.00002; gnomAD 0.00003; TOPMed 0.00004.
gnomAD v4.1: 17 of 1,585,544 alleles (0.0011%); highest among the groups gnomAD compares: Admixed American, 0.0018%; no homozygotes.

Submissions (2):

Labcorp Genetics (formerly Invitae), Labcorp
Classification: Uncertain significance for RASopathy. Last evaluated: 2026-01-01. Review status: criteria provided, single submitter. Criteria: Invitae Variant Classification Sherloc (09022015). Collection method: clinical testing. Allele origin: germline.
Comment: This sequence change replaces arginine, which is basic and polar, with glutamine, which is neutral and polar, at codon 185 of the MAP2K2 protein (p.Arg185Gln). The frequency data for this variant in the population databases is considered unreliable, as metrics indicate poor data quality at this position in the gnomAD database. This missense change has been observed in individual(s) with left ventricular hypertrabeculation (PMID: 28798025). ClinVar contains an entry for this variant (Variation ID: 1389303). Invitae Evidence Modeling incorporating data from in vitro experimental studies (internal data) indicates that this missense variant is not expected to disrupt MAP2K2 function with a negative predictive value of 95%. In summary, the available evidence is currently insufficient to determine the role of this variant in disease. Therefore, it has been classified as a Variant of Uncertain Significance.

GeneDx
Classification: Uncertain significance. Last evaluated: 2024-01-25. Review status: criteria provided, single submitter. Criteria: GeneDx Variant Classification Process June 2021. Collection method: clinical testing. Allele origin: germline. Affected: yes.
Comment: Identified in a patient with left ventricular hypertrabeculation (LVHT) in published literature (PMID: 28798025); In silico analysis supports that this missense variant has a deleterious effect on protein structure/function; Missense variants in this gene are a common cause of disease and they are underrepresented in the general population; This variant is associated with the following publications: (PMID: 35982159, 28798025)

Literature cited by the submitters: PubMed 28798025 (cited by Labcorp Genetics (formerly Invitae), Labcorp).